The following is an entry in ClinVar:

ClinVar aggregate classification (germline): Likely pathogenic (1 of 4 stars; one submission).

Conditions:
Hypohidrotic X-linked ectodermal dysplasia (XHED). Also called: Anhidrotic ectodermal dysplasia X-linked; Christ Siemens Touraine syndrome; ECTODERMAL DYSPLASIA 1, HYPOHIDROTIC, X-LINKED; ECTODERMAL DYSPLASIA 1, HYPOHIDROTIC/HAIR/TOOTH TYPE, X-LINKED; Ectodermal Dysplasia 1, Anhidrotic; ECTODERMAL DYSPLASIA 1. Identifiers: Orphanet 181, Orphanet 238468, MedGen C0162359, MONDO:0010585, OMIM 305100.

Allele frequency attached by ClinVar (database versions not stated): TOPMed 0.00001.

Submission:

Labcorp Genetics (formerly Invitae), Labcorp
Classification: Likely pathogenic for Hypohidrotic X-linked ectodermal dysplasia. Last evaluated: 2021-04-06. Review status: criteria provided, single submitter. Criteria: Invitae Variant Classification Sherloc (09022015). Collection method: clinical testing. Allele origin: germline.
Comment: This variant has been observed in individual(s) with tooth agenesis (Invitae). This variant is not present in population databases (ExAC no frequency). Advanced modeling of protein sequence and biophysical properties (such as structural, functional, and spatial information, amino acid conservation, physicochemical variation, residue mobility, and thermodynamic stability) performed at Invitae indicates that this missense variant is expected to disrupt EDA protein function. In summary, the currently available evidence indicates that the variant is pathogenic, but additional data are needed to prove that conclusively. Therefore, this variant has been classified as Likely Pathogenic. This variant disrupts the p.Ile312 amino acid residue in EDA. Other variant(s) that disrupt this residue have been observed in individuals with EDA-related conditions (PMID: 24312213, 27305980), which suggests that this may be a clinically significant amino acid residue. This sequence change replaces isoleucine with threonine at codon 312 of the EDA protein (p.Ile312Thr). The isoleucine residue is highly conserved and there is a moderate physicochemical difference between isoleucine and threonine.

Literature cited by the submitters: PubMed 24312213; PubMed 27305980.

NM_001399.5(EDA):c.935T>C (p.Ile312Thr)

Gene: EDA (ectodysplasin A; plus strand). Cytogenetic location: Xq13.1.
Variant type: single nucleotide variant.
Coding change: c.935T>C on transcript NM_001399.5 (MANE Select); coding-DNA position 935, T replaced by C.
Protein change: p.Ile312Thr; replaces isoleucine 312 with threonine.
Molecular consequence: missense variant.
Genome position (GRCh38, 1-based): chrX:70,035,368, T>C. VCF-style: chrX-70035368-T-C. GRCh37 (hg19) VCF-style: chrX-69255218-T-C.
Other names: c.929T>C, p.Ile310Thr (NM_001005609.2); c.920T>C, p.Ile307Thr (NM_001005612.3); short protein forms I307T, I312T, I310T.
Identifiers: ClinVar variation 1520515 (VCV001520515.8), dbSNP rs1791938725, ClinGen allele CA413449290.